The following is an entry in ClinVar:

NM_001330701.2(AGTPBP1):c.3639A>C (p.Glu1213Asp)

Gene: AGTPBP1 (ATP/GTP binding carboxypeptidase 1; minus strand). Cytogenetic location: 9q21.33.
Variant type: single nucleotide variant.
Coding change: c.3639A>C on transcript NM_001330701.2 (MANE Select); coding-DNA position 3639, A replaced by C.
Protein change: p.Glu1213Asp; replaces glutamic acid 1213 with aspartic acid.
Molecular consequence: missense variant.
Genome position (GRCh38, 1-based): chr9:85,547,151, T>G on the plus strand (A>C on the coding strand, the complement: AGTPBP1 is on the minus strand). VCF-style: chr9-85547151-T-G. GRCh37 (hg19) VCF-style: chr9-88162066-T-G.
Other names: c.3795A>C, p.Glu1265Asp (NM_001286715.1); c.3675A>C, p.Glu1225Asp (NM_001286717.1); c.3519A>C, p.Glu1173Asp (NM_015239.3); short protein forms E1173D, E1213D, E1225D, E1265D.
Identifiers: ClinVar variation 2659286 (VCV002659286.25), dbSNP rs138412470, ClinGen allele CA5106035.

ClinVar aggregate classification (germline): Likely benign. Review status: criteria provided, single submitter (1 of 4 stars). 2 submissions from 2 submitters: Likely benign (1). 1 of the submissions does not count toward it. Last evaluated 2026-04-01.

Conditions:
AGTPBP1-related disorder. Also called: AGTPBP1-related condition.

Allele frequency attached by ClinVar (database versions not stated): 1000 Genomes Project 0.00300; 1000 Genomes Project 30x 0.00344; gnomAD 0.00415; TOPMed 0.00465; ESP Exome Variant Server 0.00477; ExAC 0.00479; gnomAD exomes 0.00565.
gnomAD v4.1: 8,954 of 1,613,038 alleles (0.56%); highest among the groups gnomAD compares: Middle Eastern, 1.3%; 44 homozygotes.

Submissions (2):

CeGaT Center for Human Genetics Tuebingen
Classification: Likely benign. Last evaluated: 2026-04-01. Review status: criteria provided, single submitter. Criteria: CeGaT Center For Human Genetics Tuebingen Variant Classification Criteria Version 2. Collection method: clinical testing. Allele origin: germline. Affected: yes. Observed: 14 variant alleles.
Comment: AGTPBP1: BP4, BS2

PreventionGenetics, part of Exact Sciences
Classification: Likely benign for AGTPBP1-related condition. Last evaluated: 2019-05-14. Review status: no assertion criteria provided. Collection method: clinical testing. Allele origin: germline. Not counted in ClinVar's aggregate classification.
Comment: This variant is classified as likely benign based on ACMG/AMP sequence variant interpretation guidelines (Richards et al. 2015 PMID: 25741868, with internal and published modifications).